The following is an entry in ClinVar:

NM_004006.3(DMD):c.7597G>A (p.Ala2533Thr)

Gene: DMD (dystrophin; minus strand). Cytogenetic location: Xp21.1.
Variant type: single nucleotide variant.
Coding change: c.7597G>A on transcript NM_004006.3 (MANE Select); coding-DNA position 7597, G replaced by A.
Protein change: p.Ala2533Thr; replaces alanine 2533 with threonine.
Molecular consequence: missense variant.
Genome position (GRCh38, 1-based): chrX:31,729,694, C>T on the plus strand (G>A on the coding strand, the complement: DMD is on the minus strand). VCF-style: chrX-31729694-C-T. GRCh37 (hg19) VCF-style: chrX-31747811-C-T.
Other names: c.7573G>A, p.Ala2525Thr (NM_000109.4); c.7585G>A, p.Ala2529Thr (NM_004009.3); c.7228G>A, p.Ala2410Thr (NM_004010.3); c.3574G>A, p.Ala1192Thr (NM_004011.4); c.3565G>A, p.Ala1189Thr (NM_004012.4); c.217G>A, p.Ala73Thr (NM_004013.3, NM_004020.4, NM_004021.3 and 2 more transcripts); short protein forms A2533T, A2529T, A1189T, A1192T, A73T, A2525T, A2410T.
Identifiers: ClinVar variation 569218 (VCV000569218.9), dbSNP rs369583884, ClinGen allele CA10378245.

ClinVar aggregate classification (germline): Conflicting classifications of pathogenicity. Review status: criteria provided, conflicting classifications (1 of 4 stars). 4 submissions from 4 submitters: Uncertain significance (2); Likely benign (1). 1 of the submissions does not count toward it. Last evaluated 2026-01-26.

Conditions:
Dystrophin deficiency.
Cardiomyopathy (CMYO). Also called: Cardiomyopathies. Identifiers: Orphanet 167848, MedGen C0878544, MONDO:0004994, HP:0001638. Inheritance: Various modes of inheritance.
Becker muscular dystrophy (BMD). Also called: Becker Muscular Dystrophy (BMD); MUSCULAR DYSTROPHY, PSEUDOHYPERTROPHIC PROGRESSIVE, BECKER TYPE. Identifiers: Orphanet 98895, MedGen C0917713, MONDO:0010311, OMIM 300376.
Duchenne muscular dystrophy (DMD). Also called: Duchenne Muscular Dystrophy (DMD); MUSCULAR DYSTROPHY, PSEUDOHYPERTROPHIC PROGRESSIVE, DUCHENNE TYPE. Identifiers: Orphanet 98896, MedGen C0013264, MONDO:0010679, OMIM 310200.
Cardiovascular phenotype. Identifiers: MedGen CN230736.

Allele frequency attached by ClinVar (database versions not stated): gnomAD 0.00001; ExAC 0.00002; gnomAD exomes 0.00002 and 0.00003; TOPMed 0.00002.
gnomAD v4.1: 31 of 1,209,585 alleles (0.0026%); highest among the groups gnomAD compares: South Asian, 0.012%; no homozygotes.

Submissions (4):

Labcorp Genetics (formerly Invitae), Labcorp
Classification: Likely benign for Duchenne muscular dystrophy. Last evaluated: 2026-01-26. Review status: criteria provided, single submitter. Criteria: Invitae Variant Classification Sherloc (09022015). Collection method: clinical testing. Allele origin: germline.

ARUP Laboratories, Molecular Genetics and Genomics, ARUP Laboratories
Classification: Uncertain significance. Last evaluated: 2024-07-16. Review status: criteria provided, single submitter. Criteria: ARUP Molecular Germline Variant Investigation Process 2024. Collection method: clinical testing. Allele origin: germline.
Comment: The DMD c.7597G>A; p.Ala2533Thr variant (rs369583884), to our knowledge, is not reported in the medical literature but is reported in ClinVar (Variation ID: 569218). This variant is found in the South Asian population with an allele frequency of 0.02% (4/19078 alleles, including a single hemizygote) in the Genome Aggregation Database (v2.1.1). Computational analyses predict that this variant is neutral (REVEL: 0.141). Due to limited information, the clinical significance of this variant is uncertain at this time.

Ambry Genetics
Classification: Uncertain significance for Cardiovascular phenotype. Last evaluated: 2024-03-12. Review status: criteria provided, single submitter. Criteria: Ambry Variant Classification Scheme 2023. Collection method: clinical testing. Allele origin: germline.
Comment: The p.A2533T variant (also known as c.7597G>A), located in coding exon 52 of the DMD gene, results from a G to A substitution at nucleotide position 7597. The alanine at codon 2533 is replaced by threonine, an amino acid with similar properties. Based on data from gnomAD, the A allele has an overall frequency of 0.0027% (5/183506) total alleles studied, with 1 hemizygote(s) observed. The highest observed frequency was 0.0221% (1/4533) of 'Other' alleles. This amino acid position is highly conserved in available vertebrate species. In addition, this alteration is predicted to be tolerated by in silico analysis. Based on the available evidence, the clinical significance of this alteration remains unclear.

Natera, Inc.
Classification: Uncertain significance for Becker muscular dystrophy; Cardiomyopathy; Duchenne muscular dystrophy; Dystrophin deficiency. Last evaluated: 2018-10-06. Review status: no assertion criteria provided. Collection method: clinical testing. Allele origin: germline. Not counted in ClinVar's aggregate classification.